The following is an entry in ClinVar:

ClinVar aggregate classification (germline): Uncertain significance (0 of 4 stars; one submission).

Conditions:
ANKRD11-related disorder. Also called: ANKRD11-related condition.

Submission:

PreventionGenetics, part of Exact Sciences
Classification: Uncertain significance for ANKRD11-related condition. Last evaluated: 2024-09-26. Review status: no assertion criteria provided. Collection method: clinical testing. Allele origin: germline.
Comment: The ANKRD11 c.7852G>C variant is predicted to result in the amino acid substitution p.Ala2618Pro. To our knowledge, this variant has not been reported in the literature or in a large population database, indicating this variant is rare. At this time, the clinical significance of this variant is uncertain due to the absence of conclusive functional and genetic evidence.

NM_013275.6(ANKRD11):c.7852G>C (p.Ala2618Pro)

Gene: ANKRD11 (ankyrin repeat domain containing 11; minus strand). Cytogenetic location: 16q24.3.
Variant type: single nucleotide variant.
Coding change: c.7852G>C on transcript NM_013275.6 (MANE Select); coding-DNA position 7852, G replaced by C.
Protein change: p.Ala2618Pro; replaces alanine 2618 with proline.
Molecular consequence: missense variant.
Genome position (GRCh38, 1-based): chr16:89,268,618, C>G on the plus strand (G>C on the coding strand, the complement: ANKRD11 is on the minus strand). VCF-style: chr16-89268618-C-G. GRCh37 (hg19) VCF-style: chr16-89335026-C-G.
Other names: c.7852G>C, p.Ala2618Pro (NM_001256182.2, NM_001256183.2); short protein forms A2618P.
Identifiers: ClinVar variation 3346525 (VCV003346525.1).